The following is an entry in ClinVar:

NM_001166108.2(PALLD):c.2182G>C (p.Glu728Gln)

Genes: CBR4 (carbonyl reductase 4; minus strand), PALLD (palladin, cytoskeletal associated protein; plus strand). Cytogenetic location: 4q32.3.
Variant type: single nucleotide variant.
Coding change: c.2182G>C on transcript NM_001166108.2 (MANE Select); coding-DNA position 2182, G replaced by C.
Protein change: p.Glu728Gln; replaces glutamic acid 728 with glutamine.
Molecular consequence: missense variant.
Genome position (GRCh38, 1-based): chr4:168,894,660, G>C. VCF-style: chr4-168894660-G-C. GRCh37 (hg19) VCF-style: chr4-169815811-G-C.
Other names: c.1036G>C, p.Glu346Gln (NM_001166109.2); c.721G>C, p.Glu241Gln (NM_001166110.2); c.61G>C, p.Glu21Gln (NM_001367567.1, NM_001367568.1, NM_001367569.1 and 1 more transcripts); c.2182G>C, p.Glu728Gln (NM_016081.4); c.2182G>C (NM_016081.3); short protein forms E241Q, E346Q, E21Q, E728Q.
Identifiers: ClinVar variation 840800 (VCV000840800.11), dbSNP rs1754736103, ClinGen allele CA358797796.

ClinVar aggregate classification (germline): Uncertain significance. Review status: criteria provided, multiple submitters, no conflicts (2 of 4 stars). 2 submissions from 2 submitters: Uncertain significance (2). Last evaluated 2024-12-09.

Conditions:
Pancreatic adenocarcinoma. Identifiers: MedGen C0281361, MONDO:0006047, HP:0006725.

Allele frequency attached by ClinVar (database versions not stated): TOPMed below 0.00001; gnomAD exomes 0.00001.
gnomAD v4.1: 8 of 1,613,586 alleles (0.0005%); highest among the groups gnomAD compares: Non-Finnish European, 0.00068%; no homozygotes.

Submissions (2):

Labcorp Genetics (formerly Invitae), Labcorp
Classification: Uncertain significance for Pancreatic adenocarcinoma. Last evaluated: 2024-12-09. Review status: criteria provided, single submitter. Criteria: Invitae Variant Classification Sherloc (09022015). Collection method: clinical testing. Allele origin: germline.
Comment: This sequence change replaces glutamic acid, which is acidic and polar, with glutamine, which is neutral and polar, at codon 241 of the PALLD protein (p.Glu241Gln). This variant is not present in population databases (gnomAD no frequency). This variant has not been reported in the literature in individuals affected with PALLD-related conditions. ClinVar contains an entry for this variant (Variation ID: 840800). An algorithm developed to predict the effect of missense changes on protein structure and function (PolyPhen-2) suggests that this variant is likely to be tolerated. In summary, the available evidence is currently insufficient to determine the role of this variant in disease. Therefore, it has been classified as a Variant of Uncertain Significance.

Ambry Genetics
Classification: Uncertain significance. Last evaluated: 2023-01-05. Review status: criteria provided, single submitter. Criteria: Ambry Variant Classification Scheme 2023. Collection method: clinical testing. Allele origin: germline.
Comment: The p.E728Q variant (also known as c.2182G>C), located in coding exon 11 of the PALLD gene, results from a G to C substitution at nucleotide position 2182. The glutamic acid at codon 728 is replaced by glutamine, an amino acid with highly similar properties. This amino acid position is conserved. In addition, the in silico prediction for this alteration is inconclusive. Since supporting evidence is limited at this time, the clinical significance of this alteration remains unclear.